The following is an entry in ClinVar:

NM_000540.3(RYR1):c.9785G>A (p.Arg3262His)

Gene: RYR1 (ryanodine receptor 1; plus strand). Cytogenetic location: 19q13.2.
Variant type: single nucleotide variant.
Coding change: c.9785G>A on transcript NM_000540.3 (MANE Select); coding-DNA position 9785, G replaced by A.
Protein change: p.Arg3262His; replaces arginine 3262 with histidine.
Molecular consequence: missense variant.
Genome position (GRCh38, 1-based): chr19:38,517,458, G>A. VCF-style: chr19-38517458-G-A. GRCh37 (hg19) VCF-style: chr19-39008098-G-A.
Other names: c.9785G>A, p.Arg3262His (NM_001042723.2); short protein forms R3262H.
Identifiers: ClinVar variation 3385511 (VCV003385511.1).

ClinVar aggregate classification (germline): Uncertain significance (1 of 4 stars; one submission).

Conditions:
Malignant hyperthermia, susceptibility to, 1 (MHS1). Also called: Anesthesia related hyperthermia; Malignant hyperpyrexia; Fulminating hyperpyrexia; Pharmacogenic myopathy; Malignant hyperthermia suceptibility 1; RYR1-Related Malignant Hyperthermia Susceptibility. Identifiers: Orphanet 423, MedGen C2930980, MONDO:0007783, OMIM 145600.

gnomAD v4.1: 4 of 1,614,044 alleles (0.00025%); highest among the groups gnomAD compares: Admixed American, 0.0017%; no homozygotes.

Submission:

All of Us Research Program, National Institutes of Health
Classification: Uncertain significance for Malignant hyperthermia, susceptibility to, 1. Last evaluated: 2024-03-24. Review status: criteria provided, single submitter. Criteria: ACMG Guidelines, 2015. Collection method: clinical testing. Allele origin: germline. Inheritance: Autosomal dominant inheritance. Observed: 1 variant allele, 1 heterozygote.
Comment: This missense variant replaces arginine with histidine at codon 3262 of the RYR1 protein. Computational prediction is inconclusive regarding the impact of this variant on protein structure and function (internally defined REVEL score threshold 0.5 < inconclusive < 0.7, PMID: 27666373). To our knowledge, functional studies have not been reported for this variant. This variant has not been reported in individuals affected with RYR1-related disorders in the literature. This variant has been identified in 2/250156 chromosomes in the general population by the Genome Aggregation Database (gnomAD). The available evidence is insufficient to determine the role of this variant in disease conclusively. Therefore, this variant is classified as a Variant of Uncertain Significance.

This study involves interpretation of variants in research participants for the purpose of population health screening. Participant phenotype was not available at the time of variant classification. Additional details can be found in publication PMID: 35346344, PMCID: PMC8962531